The following is an entry in ClinVar:

ClinVar aggregate classification (germline): Uncertain significance (1 of 4 stars; one submission).

Allele frequency attached by ClinVar (database versions not stated): gnomAD exomes below 0.00001 and 0.00001; ExAC 0.00001.
gnomAD v4.1: 3 of 1,613,984 alleles (0.00019%); highest among the groups gnomAD compares: Middle Eastern, 0.016%; no homozygotes.

Submission:

Labcorp Genetics (formerly Invitae), Labcorp
Classification: Uncertain significance. Last evaluated: 2022-08-16. Review status: criteria provided, single submitter. Criteria: Invitae Variant Classification Sherloc (09022015). Collection method: clinical testing. Allele origin: germline.
Comment: Algorithms developed to predict the effect of missense changes on protein structure and function (SIFT, PolyPhen-2, Align-GVGD) all suggest that this variant is likely to be disruptive. ClinVar contains an entry for this variant (Variation ID: 963050). This variant has not been reported in the literature in individuals affected with RDH5-related conditions. This variant is present in population databases (rs753712247, gnomAD 0.007%). This sequence change replaces leucine, which is neutral and non-polar, with proline, which is neutral and non-polar, at codon 222 of the RDH5 protein (p.Leu222Pro). In summary, the available evidence is currently insufficient to determine the role of this variant in disease. Therefore, it has been classified as a Variant of Uncertain Significance.

NM_002905.5(RDH5):c.665T>C (p.Leu222Pro)

Genes: BLOC1S1-RDH5 (BLOC1S1-RDH5 readthrough; plus strand), CD63 (CD63 molecule; minus strand), RDH5 (retinol dehydrogenase 5; plus strand). Cytogenetic location: 12q13.2.
Variant type: single nucleotide variant.
Coding change: c.665T>C on transcript NM_002905.5 (MANE Select); coding-DNA position 665, T replaced by C.
Protein change: p.Leu222Pro; replaces leucine 222 with proline.
Molecular consequence: missense variant. On other transcripts: non-coding transcript variant (1).
Genome position (GRCh38, 1-based): chr12:55,723,981, T>C. VCF-style: chr12-55723981-T-C. GRCh37 (hg19) VCF-style: chr12-56117765-T-C.
Other names: c.665T>C, p.Leu222Pro (NM_001199771.3); short protein forms L222P.
Identifiers: ClinVar variation 963050 (VCV000963050.10), dbSNP rs753712247, ClinGen allele CA6616905.